The following is an entry in ClinVar:

ClinVar aggregate classification (germline): Benign/Likely benign. Review status: criteria provided, multiple submitters, no conflicts (2 of 4 stars). 3 submissions from 3 submitters: Benign (1); Likely benign (2). Last evaluated 2026-01-24.

Conditions:
Primary ciliary dyskinesia. Also called: Ciliary dyskinesia. Identifiers: Orphanet 244, MedGen C0008780, MONDO:0016575, HP:0012265.
Primary ciliary dyskinesia 14. Also called: CILIARY DYSKINESIA, PRIMARY, 14, WITH OR WITHOUT SITUS INVERSUS. Identifiers: Orphanet 244, MedGen C3151136, MONDO:0013434, OMIM 613807.

Allele frequency attached by ClinVar (database versions not stated): gnomAD 0.00028 and below 0.00001; gnomAD exomes 0.00131 and 0.00058; TOPMed 0.00005; ExAC 0.00185; 1000 Genomes Project 0.00200; 1000 Genomes Project 30x 0.00203.
gnomAD v4.1: 874 of 1,586,126 alleles (0.055%); highest among the groups gnomAD compares: South Asian, 0.94%; 11 homozygotes.

Submissions (3):

Labcorp Genetics (formerly Invitae), Labcorp
Classification: Benign for Primary ciliary dyskinesia. Last evaluated: 2026-01-24. Review status: criteria provided, single submitter. Criteria: Invitae Variant Classification Sherloc (09022015). Collection method: clinical testing. Allele origin: germline.

Illumina Laboratory Services, Illumina
Classification: Likely benign for Primary ciliary dyskinesia 14. Last evaluated: 2017-04-28. Review status: criteria provided, single submitter. Criteria: ICSL Variant Classification Criteria 13 December 2019. Collection method: clinical testing. Allele origin: germline.
Comment: This variant was observed as part of a predisposition screen in an ostensibly healthy population. A literature search was performed for the gene, cDNA change, and amino acid change (where applicable). Publications were found based on this search. The evidence from the literature, in combination with allele frequency data from public databases where available, was sufficient to determine this variant is unlikely to cause disease. Therefore, this variant is classified as likely benign.

PreventionGenetics, part of Exact Sciences
Classification: Likely benign. Review status: criteria provided, single submitter. Criteria: ACMG Guidelines, 2015. Collection method: clinical testing. Allele origin: germline.

Literature cited by the submitters: PubMed 21131972 (cited by Illumina Laboratory Services, Illumina).

NM_181426.2(CCDC39):c.2408G>A (p.Cys803Tyr)

Genes: CCDC39 (coiled-coil domain 39 molecular ruler complex subunit; minus strand), TTC14 (tetratricopeptide repeat domain 14; plus strand). Cytogenetic location: 3q26.33.
Variant type: single nucleotide variant.
Coding change: c.2408G>A on transcript NM_181426.2 (MANE Select); coding-DNA position 2408, G replaced by A.
Protein change: p.Cys803Tyr; replaces cysteine 803 with tyrosine.
Molecular consequence: missense variant. On other transcripts: intron variant (1).
Genome position (GRCh38, 1-based): chr3:180,616,694, C>T on the plus strand (G>A on the coding strand, the complement: CCDC39 is on the minus strand). VCF-style: chr3-180616694-C-T. GRCh37 (hg19) VCF-style: chr3-180334482-C-T.
Other names: c.1775-686C>T (NM_001288582.2); short protein forms C803Y.
Identifiers: ClinVar variation 262970 (VCV000262970.16), dbSNP rs561458801, ClinGen allele CA2715668.
Genomic context (GRCh38, chr3:180,616,694, plus strand): 5'-TCTTCCATTGTTTCATCTTTTGTGTCTTTCAAAAGACGGATTTCCTTTGTGAGTTTTGCA[C>T]ACTGTTGGTAAATAATAGTCAATTATTCTATAAACGTGTTTACCAGAATTTAATATTTTT-3'
Protein context (NP_852091.1, residues 793-813): KPKLERVTKQ[Cys803Tyr]AKLTKEIRLL